The following is an entry in ClinVar:

NM_001145860.2(POP1):c.2921T>C (p.Met974Thr)

Gene: POP1 (POP1 ribonuclease P/MRP subunit; plus strand). Cytogenetic location: 8q22.2.
Variant type: single nucleotide variant.
Coding change: c.2921T>C on transcript NM_001145860.2 (MANE Select); coding-DNA position 2921, T replaced by C.
Protein change: p.Met974Thr; replaces methionine 974 with threonine.
Molecular consequence: missense variant.
Genome position (GRCh38, 1-based): chr8:98,158,117, T>C. VCF-style: chr8-98158117-T-C. GRCh37 (hg19) VCF-style: chr8-99170345-T-C.
Other names: c.2921T>C, p.Met974Thr (NM_001145861.2, NM_015029.3); short protein forms M974T.
Identifiers: ClinVar variation 2103685 (VCV002103685.4), dbSNP rs781323713, ClinGen allele CA4820933.

ClinVar aggregate classification (germline): Uncertain significance (1 of 4 stars; one submission).

Allele frequency attached by ClinVar (database versions not stated): gnomAD exomes below 0.00001; ExAC 0.00001; gnomAD 0.00001; TOPMed 0.00001.
gnomAD v4.1: 6 of 1,605,248 alleles (0.00037%); highest among the groups gnomAD compares: Non-Finnish European, 0.00051%; no homozygotes.

Submission:

Labcorp Genetics (formerly Invitae), Labcorp
Classification: Uncertain significance. Last evaluated: 2024-11-11. Review status: criteria provided, single submitter. Criteria: Invitae Variant Classification Sherloc (09022015). Collection method: clinical testing. Allele origin: germline.
Comment: This sequence change replaces methionine, which is neutral and non-polar, with threonine, which is neutral and polar, at codon 974 of the POP1 protein (p.Met974Thr). This variant is present in population databases (rs781323713, gnomAD 0.0009%). This variant has not been reported in the literature in individuals affected with POP1-related conditions. ClinVar contains an entry for this variant (Variation ID: 2103685). An algorithm developed to predict the effect of missense changes on protein structure and function (PolyPhen-2) suggests that this variant is likely to be disruptive. In summary, the available evidence is currently insufficient to determine the role of this variant in disease. Therefore, it has been classified as a Variant of Uncertain Significance.